The following is an entry in ClinVar:

ClinVar aggregate classification (germline): Uncertain significance (1 of 4 stars; one submission).

Submission:

GeneDx
Classification: Uncertain significance. Last evaluated: 2025-04-16. Review status: criteria provided, single submitter. Criteria: GeneDx Variant Classification Process June 2021. Collection method: clinical testing. Allele origin: germline. Affected: yes.
Comment: Not observed at significant frequency in large population cohorts (gnomAD); In silico analysis indicates that this missense variant does not alter protein structure/function; Has not been previously published as pathogenic or benign to our knowledge

NM_000426.4(LAMA2):c.5863C>G (p.Leu1955Val)

Gene: LAMA2 (laminin subunit alpha 2; plus strand). Cytogenetic location: 6q22.33.
Variant type: single nucleotide variant.
Coding change: c.5863C>G on transcript NM_000426.4 (MANE Select); coding-DNA position 5863, C replaced by G.
Protein change: p.Leu1955Val; replaces leucine 1955 with valine.
Molecular consequence: missense variant.
Genome position (GRCh38, 1-based): chr6:129,403,957, C>G. VCF-style: chr6-129403957-C-G. GRCh37 (hg19) VCF-style: chr6-129725102-C-G.
Other names: c.5863C>G, p.Leu1955Val (NM_001079823.2); short protein forms L1955V.
Identifiers: ClinVar variation 4282070 (VCV004282070.1).